The following is an entry in ClinVar:

NM_001845.6(COL4A1):c.690C>T (p.Asp230=)

Gene: COL4A1 (collagen type IV alpha 1 chain; minus strand). Cytogenetic location: 13q34.
Variant type: single nucleotide variant.
Coding change: c.690C>T on transcript NM_001845.6 (MANE Select); coding-DNA position 690, C replaced by T.
Protein change: p.Asp230=; no amino-acid change (aspartic acid 230 retained).
Molecular consequence: synonymous variant.
Genome position (GRCh38, 1-based): chr13:110,208,852, G>A on the plus strand (C>T on the coding strand, the complement: COL4A1 is on the minus strand). VCF-style: chr13-110208852-G-A. GRCh37 (hg19) VCF-style: chr13-110861199-G-A.
Other names: c.690C>T, p.Asp230= (NM_001303110.2).
Identifiers: ClinVar variation 311074 (VCV000311074.46), dbSNP rs149688210, ClinGen allele CA7048362.

ClinVar aggregate classification (germline): Benign/Likely benign. Review status: criteria provided, multiple submitters, no conflicts (2 of 4 stars). 9 submissions from 8 submitters: Benign (5); Likely benign (4). Last evaluated 2026-06-26.

Conditions:
Autosomal dominant familial hematuria-retinal arteriolar tortuosity-contractures syndrome. Also called: Hereditary Angiopathy with Nephropathy, Aneurysms, and Muscle Cramps (HANAC) Syndrome; Angiopathy, hereditary, with nephropathy, aneurysms, and muscle cramps. Identifiers: Orphanet 73229, MedGen C2673195, MONDO:0012726, OMIM 611773.
Brain small vessel disease 1 with or without ocular anomalies (BSVD1). Also called: BRAIN SMALL VESSEL DISEASE WITH HEMORRHAGE; PORENCEPHALY, TYPE 1, AUTOSOMAL DOMINANT; GOULD SYNDROME 1; Brain small vessel disease with or without ocular anomalies. Identifiers: Orphanet 2940, Orphanet 36383, Orphanet 99810, MedGen C4755307, MONDO:0008289, OMIM 175780.
Hemorrhage, intracerebral, susceptibility to (ICH). Also called: Stroke, hemorrhagic, susceptibility to. Identifiers: MedGen C3281105, MONDO:0100533, OMIM 614519.
Retinal arterial tortuosity. Also called: Retinal arteries, tortuosity of; RETINAL HEMORRHAGE WITH VASCULAR TORTUOSITY. Identifiers: Orphanet 75326, MedGen C0423401, MONDO:0008373, OMIM 180000, HP:0000631.
Microangiopathy and leukoencephalopathy, pontine, autosomal dominant. Also called: Pontine autosomal dominant microangiopathy with leukoencephalopathy; DEMENTIA, HEREDITARY MULTI-INFARCT, SWEDISH TYPE. Identifiers: Orphanet 477749, MedGen C5231411, MONDO:0032814, OMIM 618564.
COL4A1-related disorder. Also called: COL4A1-related condition; COL4A1-related disorders. Identifiers: MedGen CN376119, MONDO:0800461.

Allele frequency attached by ClinVar (database versions not stated): gnomAD exomes 0.00067 and 0.00108; ExAC 0.00091; ESP Exome Variant Server 0.00046; gnomAD 0.00049 and 0.00056; TOPMed 0.00051; 1000 Genomes Project 0.00060; 1000 Genomes Project 30x 0.00062.
gnomAD v4.1: 1,115 of 1,614,150 alleles (0.069%); highest among the groups gnomAD compares: South Asian, 0.28%; 6 homozygotes.

Submissions (9):

PreventionGenetics, part of Exact Sciences
Classification: Benign for COL4A1-related condition. Last evaluated: 2026-06-26. Review status: criteria provided, single submitter. Criteria: ACMG Guidelines, 2015. Collection method: clinical testing. Allele origin: germline.
Comment: This variant is classified as benign based on ACMG/AMP sequence variant interpretation guidelines (Richards et al. 2015 PMID: 25741868, with internal and published modifications).

Labcorp Genetics (formerly Invitae), Labcorp
Classification: Benign. Last evaluated: 2026-02-03. Review status: criteria provided, single submitter. Criteria: Invitae Variant Classification Sherloc (09022015). Collection method: clinical testing. Allele origin: germline.

CeGaT Center for Human Genetics Tuebingen
Classification: Likely benign. Last evaluated: 2025-05-01. Review status: criteria provided, single submitter. Criteria: CeGaT Center For Human Genetics Tuebingen Variant Classification Criteria Version 2. Collection method: clinical testing. Allele origin: germline. Affected: yes. Observed: 6 variant alleles.
Comment: COL4A1: BP4, BP7

ARUP Laboratories, Molecular Genetics and Genomics, ARUP Laboratories
Classification: Benign. Last evaluated: 2025-03-20. Review status: criteria provided, single submitter. Criteria: ARUP Molecular Germline Variant Investigation Process 2024. Collection method: clinical testing. Allele origin: germline.

Blueprint Genetics
Classification: Likely benign. Last evaluated: 2024-11-21. Review status: criteria provided, single submitter. Criteria: ACMG Guidelines, 2015. Collection method: clinical testing. Allele origin: germline.

Fulgent Genetics
Classification: Likely benign for Brain small vessel disease 1 with or without ocular anomalies; Retinal arterial tortuosity; Autosomal dominant familial hematuria-retinal arteriolar tortuosity-contractures syndrome; Hemorrhage, intracerebral, susceptibility to; Microangiopathy and leukoencephalopathy, pontine, autosomal dominant. Last evaluated: 2021-07-23. Review status: criteria provided, single submitter. Criteria: ACMG Guidelines, 2015. Collection method: clinical testing. Allele origin: unknown.

GeneDx
Classification: Likely benign. Last evaluated: 2021-04-28. Review status: criteria provided, single submitter. Criteria: GeneDx Variant Classification Process June 2021. Collection method: clinical testing. Allele origin: germline. Affected: yes.

Illumina Laboratory Services, Illumina
Classification: Benign for Autosomal dominant familial hematuria-retinal arteriolar tortuosity-contractures syndrome. Last evaluated: 2018-01-12. Review status: criteria provided, single submitter. Criteria: ICSL Variant Classification Criteria 13 December 2019. Collection method: clinical testing. Allele origin: germline.
Comment: This variant was observed in the ICSL laboratory as part of a predisposition screen in an ostensibly healthy population. It had not been previously curated by ICSL or reported in the Human Gene Mutation Database (HGMD: prior to June 1st, 2018), and was therefore a candidate for classification through an automated scoring system. Utilizing variant allele frequency, disease prevalence and penetrance estimates, and inheritance mode, an automated score was calculated to assess if this variant is too frequent to cause the disease. Based on the score and internal cut-off values, a variant classified as benign is not then subjected to further curation. The score for this variant resulted in a classification of benign for this disease.

Illumina Laboratory Services, Illumina
Classification: Benign for Brain small vessel disease 1 with or without ocular anomalies. Last evaluated: 2018-01-12. Review status: criteria provided, single submitter. Criteria: ICSL Variant Classification Criteria 13 December 2019. Collection method: clinical testing. Allele origin: germline.
Comment: the same text as in the submission from Illumina Laboratory Services, Illumina above.